The following is an entry in ClinVar:

NM_002880.4(RAF1):c.357G>A (p.Ala119=)

Gene: RAF1 (Raf-1 proto-oncogene, serine/threonine kinase; minus strand). Cytogenetic location: 3p25.2.
Variant type: single nucleotide variant.
Coding change: c.357G>A on transcript NM_002880.4 (MANE Select); coding-DNA position 357, G replaced by A.
Protein change: p.Ala119=; no amino-acid change (alanine 119 retained).
Molecular consequence: synonymous variant. On other transcripts: non-coding transcript variant (3).
Genome position (GRCh38, 1-based): chr3:12,609,299, C>T on the plus strand (G>A on the coding strand, the complement: RAF1 is on the minus strand). VCF-style: chr3-12609299-C-T. GRCh37 (hg19) VCF-style: chr3-12650798-C-T.
Other names: c.357G>A (NM_002880.3); c.357G>A, p.Ala119= (NM_001354689.3, NM_001354690.3, NM_001354693.3); c.114G>A, p.Ala38= (NM_001354691.3, NM_001354692.3, NM_001354694.3 and 1 more transcripts).
Identifiers: ClinVar variation 1659395 (VCV001659395.15), dbSNP rs146709846, ClinGen allele CA2259776.

ClinVar aggregate classification (germline): Benign/Likely benign. Review status: criteria provided, multiple submitters, no conflicts (2 of 4 stars). 5 submissions from 5 submitters: Benign (1); Likely benign (4). Last evaluated 2026-01-01.

Conditions:
RASopathy. Also called: Noonan spectrum disorder; rasopathies. Identifiers: Orphanet 536391, MedGen C5555857, MONDO:0021060.
Cardiovascular phenotype. Identifiers: MedGen CN230736.

Allele frequency attached by ClinVar (database versions not stated): TOPMed 0.00006; gnomAD exomes 0.00007; ExAC 0.00009; ESP Exome Variant Server 0.00015; 1000 Genomes Project 30x 0.00016; 1000 Genomes Project 0.00020.
gnomAD v4.1: 62 of 1,613,516 alleles (0.0038%); highest among the groups gnomAD compares: South Asian, 0.029%; no homozygotes.

Submissions (5):

CeGaT Center for Human Genetics Tuebingen
Classification: Likely benign. Last evaluated: 2026-01-01. Review status: criteria provided, single submitter. Criteria: CeGaT Center For Human Genetics Tuebingen Variant Classification Criteria Version 2. Collection method: clinical testing. Allele origin: germline. Affected: yes. Observed: 1 variant allele.
Comment: RAF1: BP4, BP7

Labcorp Genetics (formerly Invitae), Labcorp
Classification: Likely benign for RASopathy. Last evaluated: 2025-11-25. Review status: criteria provided, single submitter. Criteria: Invitae Variant Classification Sherloc (09022015). Collection method: clinical testing. Allele origin: germline.

Women's Health and Genetics/Laboratory Corporation of America, LabCorp
Classification: Benign. Last evaluated: 2024-09-22. Review status: criteria provided, single submitter. Criteria: LabCorp Variant Classification Summary - May 2015. Collection method: clinical testing. Allele origin: germline.

Ambry Genetics
Classification: Likely benign for Cardiovascular phenotype. Last evaluated: 2024-03-19. Review status: criteria provided, single submitter. Criteria: Ambry Variant Classification Scheme 2023. Collection method: clinical testing. Allele origin: germline.

Blueprint Genetics
Classification: Likely benign. Last evaluated: 2023-10-18. Review status: criteria provided, single submitter. Criteria: ACMG Guidelines, 2015. Collection method: clinical testing. Allele origin: germline.